The following is an entry in ClinVar:

ClinVar aggregate classification (germline): Uncertain significance (1 of 4 stars; one submission).

Submission:

Ambry Genetics
Classification: Uncertain significance. Last evaluated: 2024-03-09. Review status: criteria provided, single submitter. Criteria: Ambry Variant Classification Scheme 2023. Collection method: clinical testing. Allele origin: germline.
Comment: The p.C76G variant (also known as c.226T>G), located in coding exon 3 of the STAP1 gene, results from a T to G substitution at nucleotide position 226. The cysteine at codon 76 is replaced by glycine, an amino acid with highly dissimilar properties. This amino acid position is conserved. In addition, this alteration is predicted to be tolerated by in silico analysis. Based on the available evidence, the clinical significance of this alteration remains unclear.

NM_012108.4(STAP1):c.226T>G (p.Cys76Gly)

Genes: STAP1 (signal transducing adaptor family member 1; plus strand), LOC123477751 (Sharpr-MPRA regulatory region 12077; plus strand). Cytogenetic location: 4q13.2.
Variant type: single nucleotide variant.
Coding change: c.226T>G on transcript NM_012108.4 (MANE Select); coding-DNA position 226, T replaced by G.
Protein change: p.Cys76Gly; replaces cysteine 76 with glycine.
Molecular consequence: missense variant.
Genome position (GRCh38, 1-based): chr4:67,575,418, T>G. VCF-style: chr4-67575418-T-G. GRCh37 (hg19) VCF-style: chr4-68441136-T-G.
Other names: c.226T>G, p.Cys76Gly (NM_001317769.2); short protein forms C76G.
Identifiers: ClinVar variation 3226189 (VCV003226189.1), dbSNP rs2109860783, ClinGen allele CA357047871.